The following is an entry in ClinVar:

NM_006030.4(CACNA2D2):c.1264C>T (p.Arg422Cys)

Gene: CACNA2D2 (calcium voltage-gated channel auxiliary subunit alpha2delta 2; minus strand). Cytogenetic location: 3p21.31.
Variant type: single nucleotide variant.
Coding change: c.1264C>T on transcript NM_006030.4 (MANE Select); coding-DNA position 1264, C replaced by T.
Protein change: p.Arg422Cys; replaces arginine 422 with cysteine.
Molecular consequence: missense variant.
Genome position (GRCh38, 1-based): chr3:50,378,990, G>A on the plus strand (C>T on the coding strand, the complement: CACNA2D2 is on the minus strand). VCF-style: chr3-50378990-G-A. GRCh37 (hg19) VCF-style: chr3-50416421-G-A.
Other names: c.1264C>T, p.Arg422Cys (NM_001005505.3, NM_001174051.3, NM_001410768.1); c.1057C>T, p.Arg353Cys (NM_001291101.1); short protein forms R353C, R422C.
Identifiers: ClinVar variation 1969370 (VCV001969370.6), dbSNP rs1705146191, ClinGen allele CA352931693.

ClinVar aggregate classification (germline): Uncertain significance. Review status: criteria provided, multiple submitters, no conflicts (2 of 4 stars). 2 submissions from 2 submitters: Uncertain significance (2). Last evaluated 2025-08-19.

Conditions:
Cerebellar atrophy with seizures and variable developmental delay. Identifiers: MedGen C5193132, MONDO:0032788, OMIM 618501.
Early-infantile DEE. Also called: Early infantile epileptic encephalopathy with suppression bursts; Early infantile epileptic encephalopathy; Ohtahara syndrome. Identifiers: Orphanet 1934, MedGen C0393706, MONDO:0800491.

Submissions (2):

3billion
Classification: Uncertain significance for Cerebellar atrophy with seizures and variable developmental delay. Last evaluated: 2025-08-19. Review status: criteria provided, single submitter. Criteria: ACMG Guidelines, 2015. Collection method: clinical testing. Allele origin: germline. Affected: yes.
Comment: The variant is observed at an extremely low frequency in the gnomAD v4.1.0 dataset (total allele frequency: <0.001%). Predicted Consequence/Location: Missense variant. In silico tool predictions suggest damaging effect of the variant on gene or gene product [REVEL: 0.91 (>=0.6, sensitivity 0.68 and specificity 0.92); 3Cnet: 0.96 (> 0.75, sensitivity 0.96 and precision 0.92)]. The variant has been reported as of uncertain significance (ClinVar ID: VCV001969370). Different missense changes at the same codon have been reported as of uncertain significance (ClinVar ID: VCV001053324). Therefore, this variant is classified as VUS according to the recommendation of ACMG/AMP guideline.

Labcorp Genetics (formerly Invitae), Labcorp
Classification: Uncertain significance for Early-infantile DEE. Last evaluated: 2024-09-05. Review status: criteria provided, single submitter. Criteria: Invitae Variant Classification Sherloc (09022015). Collection method: clinical testing. Allele origin: germline.
Comment: This sequence change replaces arginine, which is basic and polar, with cysteine, which is neutral and slightly polar, at codon 422 of the CACNA2D2 protein (p.Arg422Cys). This variant is not present in population databases (gnomAD no frequency). This variant has not been reported in the literature in individuals affected with CACNA2D2-related conditions. ClinVar contains an entry for this variant (Variation ID: 1969370). An algorithm developed to predict the effect of missense changes on protein structure and function (PolyPhen-2) suggests that this variant is likely to be disruptive. In summary, the available evidence is currently insufficient to determine the role of this variant in disease. Therefore, it has been classified as a Variant of Uncertain Significance.